The following is an entry in ClinVar:

ClinVar aggregate classification (germline): Uncertain significance (1 of 4 stars; one submission).

Submission:

GeneDx
Classification: Uncertain significance. Last evaluated: 2025-07-28. Review status: criteria provided, single submitter. Criteria: GeneDx Variant Classification Process June 2021. Collection method: clinical testing. Allele origin: germline. Affected: yes.
Comment: Intronic +5 splice site variant in a gene for which loss of function is a known mechanism of disease, and both splice predictors and evolutionary conservation support a deleterious effect, although in the absence of functional evidence the actual effect of this sequence change is unknown; Has not been previously published as pathogenic or benign to our knowledge

NM_001021.6(RPS17):c.327+2dup

Gene: RPS17 (ribosomal protein S17; minus strand). Cytogenetic location: 15q25.2.
Variant type: Duplication.
Coding change: c.327+2dup on transcript NM_001021.6 (MANE Select); the canonical splice donor site of the intron after coding-DNA position 327, one base duplicated (T; older notation c.327+2dupT).
Molecular consequence: splice donor variant.
Genome position (GRCh38, 1-based): chr15:82,538,304, A duplicated on the plus strand (T on the coding strand, the reverse complement: RPS17 is on the minus strand). VCF-style (leftmost placement, unchanged base first): chr15-82538303-T-TA. GRCh37 (hg19) VCF-style: chr15-82822711-T-TA.
Identifiers: ClinVar variation 4690119 (VCV004690119.1).